The following is an entry in ClinVar:

ClinVar aggregate classification (germline): Uncertain significance (1 of 4 stars; one submission).

Allele frequency attached by ClinVar (database versions not stated): gnomAD exomes below 0.00001; gnomAD 0.00001; TOPMed 0.00001.
gnomAD v4.1: 3 of 1,614,052 alleles (0.00019%); highest among the groups gnomAD compares: Non-Finnish European, 0.00025%; no homozygotes.

Submission:

Labcorp Genetics (formerly Invitae), Labcorp
Classification: Uncertain significance. Last evaluated: 2023-06-10. Review status: criteria provided, single submitter. Criteria: Invitae Variant Classification Sherloc (09022015). Collection method: clinical testing. Allele origin: germline.
Comment: This sequence change replaces isoleucine, which is neutral and non-polar, with methionine, which is neutral and non-polar, at codon 186 of the ETV6 protein (p.Ile186Met). This variant is not present in population databases (gnomAD no frequency). This variant has not been reported in the literature in individuals affected with ETV6-related conditions. Advanced modeling of protein sequence and biophysical properties (such as structural, functional, and spatial information, amino acid conservation, physicochemical variation, residue mobility, and thermodynamic stability) performed at Invitae indicates that this missense variant is not expected to disrupt ETV6 protein function. In summary, the available evidence is currently insufficient to determine the role of this variant in disease. Therefore, it has been classified as a Variant of Uncertain Significance.

NM_001987.5(ETV6):c.558C>G (p.Ile186Met)

Gene: ETV6 (ETS variant transcription factor 6; plus strand). Cytogenetic location: 12p13.2.
Variant type: single nucleotide variant.
Coding change: c.558C>G on transcript NM_001987.5 (MANE Select); coding-DNA position 558, C replaced by G.
Protein change: p.Ile186Met; replaces isoleucine 186 with methionine.
Molecular consequence: missense variant.
Genome position (GRCh38, 1-based): chr12:11,869,518, C>G. VCF-style: chr12-11869518-C-G. GRCh37 (hg19) VCF-style: chr12-12022452-C-G.
Other names: c.555C>G, p.Ile185Met (NM_001413913.1); c.531C>G, p.Ile177Met (NM_001413914.1); c.294C>G, p.Ile98Met (NM_001413915.1); c.558C>G, p.Ile186Met (NM_001413916.1, NM_001413917.1); short protein forms I177M, I185M, I186M, I98M.
Identifiers: ClinVar variation 2707944 (VCV002707944.3), dbSNP rs1368651450, ClinGen allele CA384043478.
Genomic context (GRCh38, chr12:11,869,518, plus strand): 5'-GGATAATGTGCACCATAACCCTCCCACCATTGAACTGTTGCACCGCTCCAGGTCACCTAT[C>G]ACGACAAATCACCGGCCTTCTCCTGACCCCGAGCAGCGGCCCCTCCGGTCCCCCCTGGAC-3'
Protein context (NP_001978.1, residues 176-196): IELLHRSRSP[Ile186Met]TTNHRPSPDP